The following is an entry in ClinVar:

ClinVar aggregate classification (germline): Pathogenic (1 of 4 stars; one submission).

Submission:

Labcorp Genetics (formerly Invitae), Labcorp
Classification: Pathogenic. Last evaluated: 2025-10-11. Review status: criteria provided, single submitter. Criteria: Invitae Variant Classification Sherloc (09022015). Collection method: clinical testing. Allele origin: germline.
Comment: This sequence change creates a premature translational stop signal (p.Gln450*) in the MSN gene. It is expected to result in an absent or disrupted protein product. Loss-of-function variants in MSN are known to be pathogenic (PMID: 27405666). This variant is not present in population databases (gnomAD no frequency). This variant has not been reported in the literature in individuals affected with MSN-related conditions. For these reasons, this variant has been classified as Pathogenic.

Literature cited by the submitters: PubMed 27405666.

NM_002444.3(MSN):c.1348C>T (p.Gln450Ter)

Gene: MSN (moesin; plus strand). Cytogenetic location: Xq12.
Variant type: single nucleotide variant.
Coding change: c.1348C>T on transcript NM_002444.3 (MANE Select); coding-DNA position 1348, C replaced by T.
Protein change: p.Gln450Ter; replaces glutamine 450 with a stop codon.
Molecular consequence: nonsense.
Genome position (GRCh38, 1-based): chrX:65,738,973, C>T. VCF-style: chrX-65738973-C-T. GRCh37 (hg19) VCF-style: chrX-64958835-C-T.
Other names: c.1351C>T, p.Gln451Ter (NM_001440778.1); short protein forms Q450*, Q451*.
Identifiers: ClinVar variation 4803753 (VCV004803753.1).